The following is an entry in ClinVar:

NM_001605.3(AARS1):c.1076A>G (p.Asp359Gly)

Gene: AARS1 (alanyl-tRNA synthetase 1; minus strand). Cytogenetic location: 16q22.1.
Variant type: single nucleotide variant.
Coding change: c.1076A>G on transcript NM_001605.3 (MANE Select); coding-DNA position 1076, A replaced by G.
Protein change: p.Asp359Gly; replaces aspartic acid 359 with glycine.
Molecular consequence: missense variant.
Genome position (GRCh38, 1-based): chr16:70,267,805, T>C on the plus strand (A>G on the coding strand, the complement: AARS1 is on the minus strand). VCF-style: chr16-70267805-T-C. GRCh37 (hg19) VCF-style: chr16-70301708-T-C.
Other names: short protein forms D359G.
Identifiers: ClinVar variation 999800 (VCV000999800.8), dbSNP rs1960298879, ClinGen allele CA396563986.
Genomic context (GRCh38, chr16:70,267,805, plus strand): 5'-TCTTCTTCATTAATGATGTCCTTCACCATGTCTGGGTCCTTCTTCAGCTCAGGAAATGCA[T>C]CTCCCTGACAAAGGGGAAGCAAGATGAGGGGCTGGATGAAGCCAGAGACTGTTCCCTGCC-3'
Protein context (NP_001596.2, residues 349-369): LVDVVVQSLG[Asp359Gly]AFPELKKDPD

ClinVar aggregate classification (germline): Uncertain significance (1 of 4 stars; one submission).

Conditions:
Charcot-Marie-Tooth disease type 2. Also called: Charcot-Marie-Tooth type 2. Identifiers: Orphanet 64746, MedGen C0270914, MONDO:0018993.

gnomAD v4.1: 6 of 1,614,090 alleles (0.00037%); highest among the groups gnomAD compares: Non-Finnish European, 0.00042%; no homozygotes.

Submission:

Labcorp Genetics (formerly Invitae), Labcorp
Classification: Uncertain significance for Charcot-Marie-Tooth disease type 2. Last evaluated: 2020-10-03. Review status: criteria provided, single submitter. Criteria: Invitae Variant Classification Sherloc (09022015). Collection method: clinical testing. Allele origin: germline.
Comment: This variant is not present in population databases (ExAC no frequency). In summary, the available evidence is currently insufficient to determine the role of this variant in disease. Therefore, it has been classified as a Variant of Uncertain Significance. Algorithms developed to predict the effect of sequence changes on RNA splicing suggest that this variant may create or strengthen a splice site, but this prediction has not been confirmed by published transcriptional studies. Algorithms developed to predict the effect of missense changes on protein structure and function are either unavailable or do not agree on the potential impact of this missense change (SIFT: "Deleterious"; PolyPhen-2: "Benign"; Align-GVGD: "Class C0"). This variant has not been reported in the literature in individuals with AARS-related conditions. This sequence change replaces aspartic acid with glycine at codon 359 of the AARS protein (p.Asp359Gly). The aspartic acid residue is moderately conserved and there is a moderate physicochemical difference between aspartic acid and glycine.